The following is an entry in ClinVar:

NM_004655.4(AXIN2):c.1386_1387delinsTT (p.Arg463Cys)

Gene: AXIN2 (axin 2; minus strand). Cytogenetic location: 17q24.1.
Variant type: Indel.
Coding change: c.1386_1387delinsTT on transcript NM_004655.4 (MANE Select); coding-DNA positions 1386 to 1387, CC replaced by TT.
Protein change: p.Arg463Cys; replaces arginine 463 with cysteine.
Molecular consequence: missense variant.
Genome position (GRCh38, 1-based): chr17:65,537,649-65,537,650, GG replaced by AA on the plus strand (CC replaced by TT on the coding strand, the reverse complement: AXIN2 is on the minus strand). VCF-style: chr17-65537649-GG-AA. GRCh37 (hg19) VCF-style: chr17-63533767-GG-AA.
Other names: c.1386_1387delCCinsTT (LRG_296t1); c.1386_1387delinsTT, p.Arg463Cys (NM_001363813.1); short protein forms R463C.
Identifiers: ClinVar variation 464543 (VCV000464543.15), dbSNP rs1555577922, ClinGen allele CA658658695.

ClinVar aggregate classification (germline): Uncertain significance. Review status: criteria provided, multiple submitters, no conflicts (2 of 4 stars). 2 submissions from 2 submitters: Uncertain significance (2). Last evaluated 2026-03-26.

Conditions:
Hereditary cancer-predisposing syndrome. Also called: Tumor predisposition; Hereditary neoplastic syndrome; Neoplastic Syndromes, Hereditary; Hereditary Cancer Syndrome. Identifiers: Orphanet 140162, MedGen C0027672, MeSH D009386, MONDO:0015356.
Oligodontia-cancer predisposition syndrome. Also called: TOOTH AGENESIS-COLORECTAL CANCER SYNDROME. Identifiers: Orphanet 300576, MedGen C1837750, MONDO:0012075, OMIM 608615. Disease mechanism: loss of function.

Submissions (2):

Ambry Genetics
Classification: Uncertain significance for Hereditary cancer-predisposing syndrome. Last evaluated: 2026-03-26. Review status: criteria provided, single submitter. Criteria: Ambry Variant Classification Scheme 2023. Collection method: clinical testing. Allele origin: germline.
Comment: The c.1386_1387delCCinsTT variant (also known as p.R463C), located in coding exon 5 of the AXIN2 gene, results from an in-frame deletion of CC and insertion of TT at nucleotide positions 1386 to 1387. This results in the substitution of the arginine residue for a cysteine residue at codon 463, an amino acid with highly dissimilar properties. A single nucleotide substitution (c.1387C>T) also resulting in p.R463C has been reported in a family with attenuated familial adenomatous polyposis, without oligodontia or ectodermal dysplasia (Rivera B et al. Eur J Hum Genet, 2014 Mar;22:423-6) and in an individual with unselected colorectal cancer (DeRycke MS et al. Mol Genet Genomic Med, 2017 Sep;5:553-569). This amino acid position is well conserved in available vertebrate species. In addition, the in silico prediction for this alteration is inconclusive (Choi Y et al. PLoS ONE. 2012; 7(10):e46688). Based on the available evidence, the clinical significance of this variant remains unclear.

Labcorp Genetics (formerly Invitae), Labcorp
Classification: Uncertain significance for Oligodontia-cancer predisposition syndrome. Last evaluated: 2025-12-23. Review status: criteria provided, single submitter. Criteria: Invitae Variant Classification Sherloc (09022015). Collection method: clinical testing. Allele origin: germline.
Comment: This sequence change replaces arginine, which is basic and polar, with cysteine, which is neutral and slightly polar, at codon 463 of the AXIN2 protein (p.Arg463Cys). Information on the frequency of this variant in the gnomAD database is not available, as this variant may be reported differently in the database. This missense change has been observed in individual(s) with attenuated familial adenomatous polyposis (PMID: 23838596). ClinVar contains an entry for this variant (Variation ID: 464543). Experimental studies and prediction algorithms are not available or were not evaluated, and the functional significance of this variant is currently unknown. In summary, the available evidence is currently insufficient to determine the role of this variant in disease. Therefore, it has been classified as a Variant of Uncertain Significance.

Literature cited by the submitters: PubMed 23838596 (cited by Ambry Genetics and Labcorp Genetics (formerly Invitae), Labcorp); PubMed 28944238 (cited by Ambry Genetics).